The following is an entry in ClinVar:

NM_007078.3(LDB3):c.321+1G>A

Gene: LDB3 (LIM domain binding 3; plus strand). Cytogenetic location: 10q23.2.
Variant type: single nucleotide variant.
Coding change: c.321+1G>A on transcript NM_007078.3 (MANE Select); the canonical splice donor site of the intron after coding-DNA position 321, G replaced by A.
Molecular consequence: splice donor variant.
Genome position (GRCh38, 1-based): chr10:86,680,158, G>A. VCF-style: chr10-86680158-G-A. GRCh37 (hg19) VCF-style: chr10-88439915-G-A.
Other names: c.321+1G>A (NM_001368064.1, NM_001368063.1, NM_001368068.1 and 8 more transcripts).
Identifiers: ClinVar variation 2433419 (VCV002433419.6), dbSNP rs763970235, ClinGen allele CA5584642.

ClinVar aggregate classification (germline): Conflicting classifications of pathogenicity. Review status: criteria provided, conflicting classifications (1 of 4 stars). 2 submissions from 2 submitters: Likely pathogenic (1); Uncertain significance (1). Last evaluated 2025-01-11.

Conditions:
Myofibrillar myopathy 4. Also called: Zaspopathy (type). Identifiers: Orphanet 98912, MedGen C4721886, MONDO:0012277, OMIM 609452.

Allele frequency attached by ClinVar (database versions not stated): TOPMed 0.00001; ExAC 0.00002; gnomAD exomes 0.00002.
gnomAD v4.1: 29 of 1,613,902 alleles (0.0018%); highest among the groups gnomAD compares: Non-Finnish European, 0.0023%; no homozygotes.

Submissions (2):

Labcorp Genetics (formerly Invitae), Labcorp
Classification: Likely pathogenic for Myofibrillar myopathy 4. Last evaluated: 2025-01-11. Review status: criteria provided, single submitter. Criteria: Invitae Variant Classification Sherloc (09022015). Collection method: clinical testing. Allele origin: germline.
Comment: The LDB3 gene has multiple clinically relevant transcripts. This variant occurs in alternate transcript NM_007078.3, and corresponds to the same sequence change NM_001080116.1:c.321+1G>A in the primary transcript. This sequence change affects a donor splice site in intron 4 of the LDB3 gene. It is expected to disrupt RNA splicing on both transcripts. Variants that disrupt the donor or acceptor splice site typically lead to a loss of protein function (PMID: 16199547); however, loss-of-function variants in LDB3 are only known to be pathogenic in the alternate transcript (PMID: 36253531). This variant is present in population databases (rs763970235, gnomAD 0.003%). This variant has not been reported in the literature in individuals affected with LDB3-related conditions. ClinVar contains an entry for this variant (Variation ID: 2433419). Algorithms developed to predict the effect of sequence changes on RNA splicing suggest that this variant may disrupt the consensus splice site. In summary, the currently available evidence indicates that the variant is pathogenic, but additional data are needed to prove that conclusively. Therefore, this variant has been classified as Likely Pathogenic.

Revvity Omics, Revvity
Classification: Uncertain significance. Last evaluated: 2019-05-04. Review status: criteria provided, single submitter. Criteria: ACMG Guidelines, 2015. Collection method: clinical testing. Allele origin: germline.

Literature cited by the submitters: PubMed 16199547 (cited by Labcorp Genetics (formerly Invitae), Labcorp); PubMed 36253531 (cited by Labcorp Genetics (formerly Invitae), Labcorp).